The following is an entry in ClinVar:

ClinVar aggregate classification (germline): Benign/Likely benign. Review status: criteria provided, multiple submitters, no conflicts (2 of 4 stars). 7 submissions from 7 submitters: Benign (2); Likely benign (3). 2 of the submissions do not count toward it. Last evaluated 2026-01-27.

Conditions:
Cerebral arteriopathy, autosomal dominant, with subcortical infarcts and leukoencephalopathy, type 1 (CADASIL1). Also called: DEMENTIA, HEREDITARY MULTIINFARCT TYPE; CADASIL 1; CASIL; Cerebral arteriopathy with subcortical infarcts and leukoencephalopathy 1. Identifiers: Orphanet 136, MedGen C4551768, MONDO:0000914, OMIM 125310.

Allele frequency attached by ClinVar (database versions not stated): ESP Exome Variant Server 0.00077; gnomAD 0.00367 and 0.00398; 1000 Genomes Project 0.00599; 1000 Genomes Project 30x 0.00609; TOPMed 0.00614; ExAC 0.00661; gnomAD exomes 0.00818.
gnomAD v4.1: 4,459 of 1,613,976 alleles (0.28%); highest among the groups gnomAD compares: Admixed American, 3.7%; 91 homozygotes.

Submissions (7):

Labcorp Genetics (formerly Invitae), Labcorp
Classification: Benign. Last evaluated: 2026-01-27. Review status: criteria provided, single submitter. Criteria: Invitae Variant Classification Sherloc (09022015). Collection method: clinical testing. Allele origin: germline.

ARUP Laboratories, Molecular Genetics and Genomics, ARUP Laboratories
Classification: Benign. Last evaluated: 2025-06-09. Review status: criteria provided, single submitter. Criteria: ARUP Molecular Germline Variant Investigation Process 2024. Collection method: clinical testing. Allele origin: germline.

GeneDx
Classification: Likely benign. Last evaluated: 2021-12-20. Review status: criteria provided, single submitter. Criteria: GeneDx Variant Classification Process June 2021. Collection method: clinical testing. Allele origin: germline. Affected: yes.
Comment: See Variant Classification Assertion Criteria.

Illumina Laboratory Services, Illumina
Classification: Likely benign for Cerebral arteriopathy, autosomal dominant, with subcortical infarcts and leukoencephalopathy, type 1. Last evaluated: 2017-04-27. Review status: criteria provided, single submitter. Criteria: ICSL Variant Classification Criteria 13 December 2019. Collection method: clinical testing. Allele origin: germline.
Comment: This variant was observed as part of a predisposition screen in an ostensibly healthy population. A literature search was performed for the gene, cDNA change, and amino acid change (where applicable). No publications were found based on this search. Allele frequency data from public databases allowed determination this variant is unlikely to cause disease. Therefore, this variant is classified as likely benign.

Breakthrough Genomics
Classification: Likely benign. Review status: criteria provided, single submitter. Criteria: ACMG Guidelines, 2015. Collection method: not provided. Allele origin: germline. Inheritance: Autosomal dominant inheritance. Affected: yes.

Genome Diagnostics Laboratory, Amsterdam University Medical Center
Classification: Likely benign. Review status: no assertion criteria provided. Collection method: clinical testing. Allele origin: germline. Affected: yes. Study: VKGL Data-share Consensus. Not counted in ClinVar's aggregate classification.

Laboratory of Diagnostic Genome Analysis, Leiden University Medical Center (LUMC)
Classification: Likely benign. Review status: no assertion criteria provided. Collection method: clinical testing. Allele origin: germline. Affected: yes. Study: VKGL Data-share Consensus. Not counted in ClinVar's aggregate classification.

NM_000435.3(NOTCH3):c.3719-11C>T

Gene: NOTCH3 (notch receptor 3; minus strand). Cytogenetic location: 19p13.12.
Variant type: single nucleotide variant.
Coding change: c.3719-11C>T on transcript NM_000435.3 (MANE Select); 11 bases into the intron before coding-DNA position 3719, C replaced by T.
Molecular consequence: intron variant.
Genome position (GRCh38, 1-based): chr19:15,178,952, G>A on the plus strand (C>T on the coding strand, the complement: NOTCH3 is on the minus strand). VCF-style: chr19-15178952-G-A. GRCh37 (hg19) VCF-style: chr19-15289763-G-A.
Identifiers: ClinVar variation 328392 (VCV000328392.27), dbSNP rs78907190, ClinGen allele CA9262994.